The following is an entry in ClinVar:

NM_018699.4(PRDM5):c.1051G>A (p.Glu351Lys)

Gene: PRDM5 (PR/SET domain 5; minus strand). Cytogenetic location: 4q27.
Variant type: single nucleotide variant.
Coding change: c.1051G>A on transcript NM_018699.4 (MANE Select); coding-DNA position 1051, G replaced by A.
Protein change: p.Glu351Lys; replaces glutamic acid 351 with lysine.
Molecular consequence: missense variant.
Genome position (GRCh38, 1-based): chr4:120,798,404, C>T on the plus strand (G>A on the coding strand, the complement: PRDM5 is on the minus strand). VCF-style: chr4-120798404-C-T. GRCh37 (hg19) VCF-style: chr4-121719559-C-T.
Other names: c.958G>A, p.Glu320Lys (NM_001300823.2, NM_001300824.2, NM_001379106.1); c.1084G>A, p.Glu362Lys (NM_001379104.1); short protein forms E362K, E320K, E351K.
Identifiers: ClinVar variation 4143978 (VCV004143978.1).

ClinVar aggregate classification (germline): Uncertain significance (1 of 4 stars; one submission).

Conditions:
Cardiovascular phenotype. Identifiers: MedGen CN230736.

gnomAD v4.1: 30 of 1,609,900 alleles (0.0019%); highest among the groups gnomAD compares: East Asian, 0.0045%; no homozygotes.

Submission:

Ambry Genetics
Classification: Uncertain significance for Cardiovascular phenotype. Last evaluated: 2025-08-19. Review status: criteria provided, single submitter. Criteria: Ambry Variant Classification Scheme 2023. Collection method: clinical testing. Allele origin: germline.
Comment: The p.E351K variant (also known as c.1051G>A), located in coding exon 10 of the PRDM5 gene, results from a G to A substitution at nucleotide position 1051. The glutamic acid at codon 351 is replaced by lysine, an amino acid with similar properties. This amino acid position is conserved. In addition, this alteration is predicted to be tolerated by in silico analysis. Based on the available evidence, the clinical significance of this variant remains unclear.